The following is an entry in ClinVar:

NM_181882.3(PRX):c.4115G>T (p.Gly1372Val)

Gene: PRX (periaxin; minus strand). Cytogenetic location: 19q13.2.
Variant type: single nucleotide variant.
Coding change: c.4115G>T on transcript NM_181882.3 (MANE Select); coding-DNA position 4115, G replaced by T.
Protein change: p.Gly1372Val; replaces glycine 1372 with valine.
Molecular consequence: missense variant. On other transcripts: 3 prime UTR variant (1).
Genome position (GRCh38, 1-based): chr19:40,394,237, C>A on the plus strand (G>T on the coding strand, the complement: PRX is on the minus strand). VCF-style: chr19-40394237-C-A. GRCh37 (hg19) VCF-style: chr19-40900144-C-A.
Other names: c.*4320G>T (NM_020956.2); short protein forms G1372V.
Identifiers: ClinVar variation 543376 (VCV000543376.8), dbSNP rs751906783, ClinGen allele CA9443693.

ClinVar aggregate classification (germline): Uncertain significance (1 of 4 stars; one submission).

Conditions:
Charcot-Marie-Tooth disease type 4. Also called: Charcot-Marie-Tooth disease, type IV; Charcot-Marie-Tooth, Type 4. Identifiers: Orphanet 64749, MedGen C4082197, MONDO:0018995.

Allele frequency attached by ClinVar (database versions not stated): ExAC 0.00001; gnomAD 0.00001 and 0.00002; gnomAD exomes 0.00002; TOPMed 0.00003.

Submission:

Labcorp Genetics (formerly Invitae), Labcorp
Classification: Uncertain significance for Charcot-Marie-Tooth disease type 4. Last evaluated: 2022-06-20. Review status: criteria provided, single submitter. Criteria: Invitae Variant Classification Sherloc (09022015). Collection method: clinical testing. Allele origin: germline.
Comment: In summary, the available evidence is currently insufficient to determine the role of this variant in disease. Therefore, it has been classified as a Variant of Uncertain Significance. Algorithms developed to predict the effect of sequence changes on RNA splicing suggest that this variant may create or strengthen a splice site. This sequence change replaces glycine, which is neutral and non-polar, with valine, which is neutral and non-polar, at codon 1372 of the PRX protein (p.Gly1372Val). This variant is present in population databases (rs751906783, gnomAD 0.007%). This variant has not been reported in the literature in individuals affected with PRX-related conditions. ClinVar contains an entry for this variant (Variation ID: 543376). Algorithms developed to predict the effect of missense changes on protein structure and function are either unavailable or do not agree on the potential impact of this missense change (SIFT: "Tolerated"; PolyPhen-2: "Probably Damaging"; Align-GVGD: "Class C0").